The following is an entry in ClinVar:

NM_031407.7(HUWE1):c.12948C>T (p.Gly4316=)

Gene: HUWE1 (HECT, UBA and WWE domain containing E3 ubiquitin protein ligase 1; minus strand). Cytogenetic location: Xp11.22.
Variant type: single nucleotide variant.
Coding change: c.12948C>T on transcript NM_031407.7 (MANE Select); coding-DNA position 12948, C replaced by T.
Protein change: p.Gly4316=; no amino-acid change (glycine 4316 retained).
Molecular consequence: synonymous variant.
Genome position (GRCh38, 1-based): chrX:53,534,081, G>A on the plus strand (C>T on the coding strand, the complement: HUWE1 is on the minus strand). VCF-style: chrX-53534081-G-A. GRCh37 (hg19) VCF-style: chrX-53561042-G-A.
Identifiers: ClinVar variation 1309889 (VCV001309889.2), dbSNP rs2146746171, ClinGen allele CA516418729.
Genomic context (GRCh38, chrX:53,534,081, plus strand): 5'-AGGCAGGCGATCTGTGGACCTGTCATCTCGATGGATCTGAAACTTCTGAATGCCATTCAT[G>A]CCTTCGAGGGCAGCAAAGCCTTGCAGGGGTACCTTGGAAGTACCTGTGACAAACTGGAGG-3'
Protein context (NP_113584.3, residues 4306-4326): VPLQGFAALE[Gly4316=]MNGIQKFQIH

ClinVar aggregate classification (germline): Uncertain significance (1 of 4 stars; one submission).

Submission:

GeneDx
Classification: Uncertain significance. Last evaluated: 2019-09-04. Review status: criteria provided, single submitter. Criteria: GeneDx Variant Classification Process June 2021. Collection method: clinical testing. Allele origin: germline. Affected: yes.
Comment: Not observed in large population cohorts (Lek et al., 2016); Has not been previously published as pathogenic or benign to our knowledge; In silico analysis, which includes splice predictors and evolutionary conservation, suggests this variant may impact gene splicing. In the absence of RNA/functional studies, the actual effect of this sequence change is unknown.